The following is an entry in ClinVar:

ClinVar aggregate classification (germline): Uncertain significance (1 of 4 stars; one submission).

Allele frequency attached by ClinVar (database versions not stated): gnomAD exomes below 0.00001.
gnomAD v4.1: 2 of 1,614,032 alleles (0.00012%); highest among the groups gnomAD compares: Non-Finnish European, 0.000085%; no homozygotes.

Submission:

Labcorp Genetics (formerly Invitae), Labcorp
Classification: Uncertain significance. Last evaluated: 2022-05-15. Review status: criteria provided, single submitter. Criteria: Invitae Variant Classification Sherloc (09022015). Collection method: clinical testing. Allele origin: germline.
Comment: In summary, the available evidence is currently insufficient to determine the role of this variant in disease. Therefore, it has been classified as a Variant of Uncertain Significance. Algorithms developed to predict the effect of missense changes on protein structure and function are either unavailable or do not agree on the potential impact of this missense change (SIFT: "Deleterious"; PolyPhen-2: "Benign"; Align-GVGD: "Class C0"). This variant has not been reported in the literature in individuals affected with ATP8A2-related conditions. This variant is not present in population databases (gnomAD no frequency). This sequence change replaces arginine, which is basic and polar, with leucine, which is neutral and non-polar, at codon 56 of the ATP8A2 protein (p.Arg56Leu).

NM_016529.6(ATP8A2):c.167G>T (p.Arg56Leu)

Gene: ATP8A2 (ATPase phospholipid transporting 8A2). Cytogenetic location: 13q12.13.
Variant type: single nucleotide variant.
Coding change: c.167G>T on transcript NM_016529.6 (MANE Select); coding-DNA position 167, G replaced by T.
Protein change: p.Arg56Leu; replaces arginine 56 with leucine.
Molecular consequence: missense variant.
Genome position (GRCh38, 1-based): chr13:25,469,067, G>T. VCF-style: chr13-25469067-G-T. GRCh37 (hg19) VCF-style: chr13-26043205-G-T.
Other names: c.47G>T, p.Arg16Leu (NM_001313741.1); c.167G>T, p.Arg56Leu (NM_001411005.1, NM_001411006.1); short protein forms R56L, R16L.
Identifiers: ClinVar variation 1994958 (VCV001994958.4), dbSNP rs2541932422, ClinGen allele CA387680484.